The following is an entry in ClinVar:

ClinVar aggregate classification (germline): Uncertain significance (1 of 4 stars; one submission).

Allele frequency attached by ClinVar (database versions not stated): TOPMed 0.00001; gnomAD exomes 0.00002.

Submission:

Labcorp Genetics (formerly Invitae), Labcorp
Classification: Uncertain significance. Last evaluated: 2022-07-07. Review status: criteria provided, single submitter. Criteria: Invitae Variant Classification Sherloc (09022015). Collection method: clinical testing. Allele origin: germline.
Comment: This sequence change replaces glycine, which is neutral and non-polar, with serine, which is neutral and polar, at codon 596 of the LBR protein (p.Gly596Ser). This variant is not present in population databases (gnomAD no frequency). This variant has not been reported in the literature in individuals affected with LBR-related conditions. Advanced modeling of protein sequence and biophysical properties (such as structural, functional, and spatial information, amino acid conservation, physicochemical variation, residue mobility, and thermodynamic stability) performed at Invitae indicates that this missense variant is expected to disrupt LBR protein function. In summary, the available evidence is currently insufficient to determine the role of this variant in disease. Therefore, it has been classified as a Variant of Uncertain Significance.

NM_002296.4(LBR):c.1786G>A (p.Gly596Ser)

Gene: LBR (lamin B receptor; minus strand). Cytogenetic location: 1q42.12.
Variant type: single nucleotide variant.
Coding change: c.1786G>A on transcript NM_002296.4 (MANE Select); coding-DNA position 1786, G replaced by A.
Protein change: p.Gly596Ser; replaces glycine 596 with serine.
Molecular consequence: missense variant.
Genome position (GRCh38, 1-based): chr1:225,403,365, C>T on the plus strand (G>A on the coding strand, the complement: LBR is on the minus strand). VCF-style: chr1-225403365-C-T. GRCh37 (hg19) VCF-style: chr1-225591067-C-T.
Other names: c.1786G>A, p.Gly596Ser (NM_194442.3); short protein forms G596S.
Identifiers: ClinVar variation 1950208 (VCV001950208.5), dbSNP rs2096084958, ClinGen allele CA344992512.